The following is an entry in ClinVar:

NM_000393.5(COL5A2):c.1716+9A>G

Gene: COL5A2 (collagen type V alpha 2 chain; minus strand). Cytogenetic location: 2q32.2.
Variant type: single nucleotide variant.
Coding change: c.1716+9A>G on transcript NM_000393.5 (MANE Select); 9 bases into the intron after coding-DNA position 1716, A replaced by G.
Molecular consequence: intron variant.
Genome position (GRCh38, 1-based): chr2:189,064,548, T>C on the plus strand (A>G on the coding strand, the complement: COL5A2 is on the minus strand). VCF-style: chr2-189064548-T-C. GRCh37 (hg19) VCF-style: chr2-189929274-T-C.
Identifiers: ClinVar variation 459729 (VCV000459729.13), dbSNP rs201934598, ClinGen allele CA2022612.
Genomic context (GRCh38, chr2:189,064,548, plus strand): 5'-AAACCCGACCAATGCATGCTCAGGAGCACTTCTCCCCTTTGATGTAGCAAACACTTGCTA[T>C]ATTCTTACCCGAGCACCTGGAAGCCCAGGTTCCCCTGGACGTCCTGGATCCCCCTGGCTT-3'

ClinVar aggregate classification (germline): Benign/Likely benign. Review status: criteria provided, multiple submitters, no conflicts (2 of 4 stars). 3 submissions from 3 submitters: Benign (1); Likely benign (2). Last evaluated 2025-10-13.

Conditions:
Ehlers-Danlos syndrome, classic type, 1 (EDSCL1). Also called: Ehlers-Danlos syndrome, type 1; Ehlers-Danlos Syndrome, Classic Type, COL5A1-Related; EDS I; EHLERS-DANLOS SYNDROME, GRAVIS TYPE; EHLERS-DANLOS SYNDROME, SEVERE CLASSIC TYPE. Identifiers: MedGen C0268335, MONDO:0019567, OMIM 130000.

Allele frequency attached by ClinVar (database versions not stated): gnomAD exomes 0.00005 and 0.00013; gnomAD 0.00006 and 0.00011; TOPMed 0.00008; ExAC 0.00013; 1000 Genomes Project 30x 0.00047; 1000 Genomes Project 0.00060.
gnomAD v4.1: 97 of 1,601,516 alleles (0.0061%); highest among the groups gnomAD compares: East Asian, 0.2%; no homozygotes.

Submissions (3):

Labcorp Genetics (formerly Invitae), Labcorp
Classification: Benign for Ehlers-Danlos syndrome, classic type, 1. Last evaluated: 2025-10-13. Review status: criteria provided, single submitter. Criteria: Invitae Variant Classification Sherloc (09022015). Collection method: clinical testing. Allele origin: germline.

Blueprint Genetics
Classification: Likely benign. Last evaluated: 2024-03-09. Review status: criteria provided, single submitter. Criteria: ACMG Guidelines, 2015. Collection method: clinical testing. Allele origin: germline.

GeneDx
Classification: Likely benign. Last evaluated: 2018-02-14. Review status: criteria provided, single submitter. Criteria: GeneDx Variant Classification (06012015). Collection method: clinical testing. Allele origin: germline. Affected: yes.
Comment: This variant is considered likely benign or benign based on one or more of the following criteria: it is a conservative change, it occurs at a poorly conserved position in the protein, it is predicted to be benign by multiple in silico algorithms, and/or has population frequency not consistent with disease.